The following is an entry in ClinVar:

ClinVar aggregate classification (germline): Likely benign. Review status: reviewed by expert panel (3 of 4 stars). 9 submissions from 9 submitters: Likely benign (1). 8 of the submissions do not count toward it. Last evaluated 2017-06-29.

Conditions:
BRCA2-related cancer predisposition. Identifiers: MedGen CN377758, MONDO:0700269.
BRCA2-related disorder. Also called: BRCA2-related condition; BRCA2-related disorders. Identifiers: MedGen CN239275.
Hereditary cancer-predisposing syndrome. Also called: Hereditary Cancer Syndrome; Neoplastic Syndromes, Hereditary; Tumor predisposition; Hereditary neoplastic syndrome. Identifiers: Orphanet 140162, MedGen C0027672, MeSH D009386, MONDO:0015356.
Breast-ovarian cancer, familial, susceptibility to, 2 (BROVCA2). Also called: BRCA2 Hereditary Breast and Ovarian Cancer. Identifiers: Orphanet 145, MedGen C2675520, MONDO:0012933, OMIM 612555. Disease mechanism: loss of function.
Hereditary breast ovarian cancer syndrome. Also called: Hereditary breast and/or ovarian cancer syndrome; BRCA1- and BRCA2-Associated Hereditary Breast and Ovarian Cancer; Hereditary breast and ovarian cancer syndrome (HBOC); Hereditary breast and ovarian cancer; Hereditary breast and ovarian cancer syndrome; Breast and ovarian cancer. Identifiers: Orphanet 145, MedGen C0677776, MeSH D061325, MONDO:0003582. Disease mechanism: loss of function.

Allele frequency attached by ClinVar (database versions not stated): TOPMed below 0.00001; ExAC 0.00001; gnomAD exomes 0.00001.
gnomAD v4.1: 3 of 1,614,030 alleles (0.00019%); highest among the groups gnomAD compares: Admixed American, 0.005%; no homozygotes.

Submissions (9):

Evidence-based Network for the Interpretation of Germline Mutant Alleles (ENIGMA)
Classification: Likely benign for Breast-ovarian cancer, familial, susceptibility to, 2. Last evaluated: 2017-06-29. Review status: reviewed by expert panel. Criteria: ENIGMA BRCA1/2 Classification Criteria (2017-06-29). Collection method: curation. Allele origin: germline.
Comment: Synonymous substitution variant, with low bioinformatic likelihood to result in a splicing aberration (Splicing prior probability 0.02).

Labcorp Genetics (formerly Invitae), Labcorp
Classification: Likely benign for Hereditary breast ovarian cancer syndrome. Last evaluated: 2025-10-28. Review status: criteria provided, single submitter. Criteria: Invitae Variant Classification Sherloc (09022015). Collection method: clinical testing. Allele origin: germline. Not counted in ClinVar's aggregate classification.

All of Us Research Program, National Institutes of Health
Classification: Likely benign for BRCA2-related cancer predisposition. Last evaluated: 2024-06-11. Review status: criteria provided, single submitter. Criteria: ACMG Guidelines, 2015. Collection method: clinical testing. Allele origin: germline. Inheritance: Autosomal dominant inheritance. Observed: 1 variant allele, 1 heterozygote. Not counted in ClinVar's aggregate classification.
Comment: This study involves interpretation of variants in research participants for the purpose of population health screening. Participant phenotype was not available at the time of variant classification. Additional details can be found in publication PMID: 35346344, PMCID: PMC8962531

Quest Diagnostics Nichols Institute San Juan Capistrano
Classification: Likely benign. Last evaluated: 2022-02-01. Review status: criteria provided, single submitter. Criteria: Quest Diagnostics criteria. Collection method: clinical testing. Allele origin: unknown. Not counted in ClinVar's aggregate classification.

GeneDx
Classification: Likely benign. Last evaluated: 2021-03-16. Review status: criteria provided, single submitter. Criteria: GeneDx Variant Classification Process June 2021. Collection method: clinical testing. Allele origin: germline. Affected: yes. Not counted in ClinVar's aggregate classification.

Women's Health and Genetics/Laboratory Corporation of America, LabCorp
Classification: Likely benign. Last evaluated: 2019-06-30. Review status: criteria provided, single submitter. Criteria: LabCorp Variant Classification Summary - May 2015. Collection method: clinical testing. Allele origin: germline. Not counted in ClinVar's aggregate classification.

Color Diagnostics, LLC DBA Color Health
Classification: Likely benign for Hereditary cancer-predisposing syndrome. Last evaluated: 2016-04-25. Review status: criteria provided, single submitter. Criteria: ACMG Guidelines, 2015. Collection method: clinical testing. Allele origin: germline. Not counted in ClinVar's aggregate classification.

Ambry Genetics
Classification: Likely benign for Hereditary cancer-predisposing syndrome. Last evaluated: 2015-09-15. Review status: criteria provided, single submitter. Criteria: Ambry Variant Classification Scheme 2023. Collection method: clinical testing. Allele origin: germline. Not counted in ClinVar's aggregate classification.

PreventionGenetics, part of Exact Sciences
Classification: Likely benign for BRCA2-related condition. Last evaluated: 2019-08-12. Review status: no assertion criteria provided. Collection method: clinical testing. Allele origin: germline. Not counted in ClinVar's aggregate classification.
Comment: This variant is classified as likely benign based on ACMG/AMP sequence variant interpretation guidelines (Richards et al. 2015 PMID: 25741868, with internal and published modifications).

NM_000059.4(BRCA2):c.5988A>G (p.Ala1996=)

Gene: BRCA2 (BRCA2 DNA repair associated; plus strand). Cytogenetic location: 13q13.1.
Variant type: single nucleotide variant.
Coding change: c.5988A>G on transcript NM_000059.4 (MANE Select); coding-DNA position 5988, A replaced by G.
Protein change: p.Ala1996=; no amino-acid change (alanine 1996 retained).
Molecular consequence: synonymous variant.
Genome position (GRCh38, 1-based): chr13:32,340,343, A>G. VCF-style: chr13-32340343-A-G. GRCh37 (hg19) VCF-style: chr13-32914480-A-G.
Identifiers: ClinVar variation 229654 (VCV000229654.27), dbSNP rs773045221, ClinGen allele CA6940922.